The following is an entry in ClinVar:

NM_000562.3(C8A):c.1744C>T (p.Gln582Ter)

Gene: C8A (complement C8 alpha chain; plus strand). Cytogenetic location: 1p32.2.
Variant type: single nucleotide variant.
Coding change: c.1744C>T on transcript NM_000562.3 (MANE Select); coding-DNA position 1744, C replaced by T.
Protein change: p.Gln582Ter; replaces glutamine 582 with a stop codon.
Molecular consequence: nonsense.
Genome position (GRCh38, 1-based): chr1:56,917,705, C>T. VCF-style: chr1-56917705-C-T. GRCh37 (hg19) VCF-style: chr1-57383378-C-T.
Other names: short protein forms Q582*.
Identifiers: ClinVar variation 2421533 (VCV002421533.3), dbSNP rs772948230, ClinGen allele CA875502.

ClinVar aggregate classification (germline): Uncertain significance (1 of 4 stars; one submission).

Allele frequency attached by ClinVar (database versions not stated): ExAC 0.00001; gnomAD exomes 0.00001; gnomAD 0.00003; TOPMed 0.00003.
gnomAD v4.1: 25 of 1,614,034 alleles (0.0015%); highest among the groups gnomAD compares: Non-Finnish European, 0.0019%; no homozygotes.

Submission:

Labcorp Genetics (formerly Invitae), Labcorp
Classification: Uncertain significance. Last evaluated: 2022-06-14. Review status: criteria provided, single submitter. Criteria: Invitae Variant Classification Sherloc (09022015). Collection method: clinical testing. Allele origin: germline.
Comment: This sequence change creates a premature translational stop signal (p.Gln582*) in the C8A gene. While this is not anticipated to result in nonsense mediated decay, it is expected to disrupt the last 3 amino acid(s) of the C8A protein. This variant is present in population databases (rs772948230, gnomAD 0.004%). This variant has not been reported in the literature in individuals affected with C8A-related conditions. Experimental studies and prediction algorithms are not available or were not evaluated, and the functional significance of this variant is currently unknown. In summary, the available evidence is currently insufficient to determine the role of this variant in disease. Therefore, it has been classified as a Variant of Uncertain Significance.